The following is an entry in ClinVar:

NM_001040108.2(MLH3):c.2237G>A (p.Ser746Asn)

Gene: MLH3 (mutL homolog 3; minus strand). Cytogenetic location: 14q24.3.
Variant type: single nucleotide variant.
Coding change: c.2237G>A on transcript NM_001040108.2 (MANE Select); coding-DNA position 2237, G replaced by A.
Protein change: p.Ser746Asn; replaces serine 746 with asparagine.
Molecular consequence: missense variant.
Genome position (GRCh38, 1-based): chr14:75,047,419, C>T on the plus strand (G>A on the coding strand, the complement: MLH3 is on the minus strand). VCF-style: chr14-75047419-C-T. GRCh37 (hg19) VCF-style: chr14-75514122-C-T.
Other names: c.2237G>A, p.Ser746Asn (NM_014381.3); short protein forms S746N.
Identifiers: ClinVar variation 4844641 (VCV004844641.1).

ClinVar aggregate classification (germline): Uncertain significance (1 of 4 stars; one submission).

Submission:

Ambry Genetics
Classification: Uncertain significance. Last evaluated: 2026-02-14. Review status: criteria provided, single submitter. Criteria: Ambry Variant Classification Scheme 2023. Collection method: clinical testing. Allele origin: germline.
Comment: The p.S746N variant (also known as c.2237G>A), located in coding exon 1 of the MLH3 gene, results from a G to A substitution at nucleotide position 2237. The serine at codon 746 is replaced by asparagine, an amino acid with highly similar properties. This amino acid position is conserved. In addition, this alteration is predicted to be tolerated by in silico analysis. Based on the available evidence, the clinical significance of this variant remains unclear.